The following is an entry in ClinVar:

NM_139057.4(ADAMTS17):c.1322+5G>A

Gene: ADAMTS17 (ADAM metallopeptidase with thrombospondin type 1 motif 17; minus strand). Cytogenetic location: 15q26.3.
Variant type: single nucleotide variant.
Coding change: c.1322+5G>A on transcript NM_139057.4 (MANE Select); 5 bases into the intron after coding-DNA position 1322, G replaced by A.
Molecular consequence: intron variant.
Genome position (GRCh38, 1-based): chr15:100,155,175, C>T on the plus strand (G>A on the coding strand, the complement: ADAMTS17 is on the minus strand). VCF-style: chr15-100155175-C-T. GRCh37 (hg19) VCF-style: chr15-100695380-C-T.
Identifiers: ClinVar variation 1466136 (VCV001466136.6), dbSNP rs772131551, ClinGen allele CA620101126.

ClinVar aggregate classification (germline): Uncertain significance (1 of 4 stars; one submission).

gnomAD v4.1: 5 of 1,614,198 alleles (0.00031%); highest among the groups gnomAD compares: Admixed American, 0.0017%; no homozygotes.

Submission:

Labcorp Genetics (formerly Invitae), Labcorp
Classification: Uncertain significance. Last evaluated: 2024-01-08. Review status: criteria provided, single submitter. Criteria: Invitae Variant Classification Sherloc (09022015). Collection method: clinical testing. Allele origin: germline.
Comment: This sequence change falls in intron 9 of the ADAMTS17 gene. It does not directly change the encoded amino acid sequence of the ADAMTS17 protein. It affects a nucleotide within the consensus splice site. This variant is present in population databases (no rsID available, gnomAD 0.003%). This variant has not been reported in the literature in individuals affected with ADAMTS17-related conditions. ClinVar contains an entry for this variant (Variation ID: 1466136). Variants that disrupt the consensus splice site are a relatively common cause of aberrant splicing (PMID: 17576681, 9536098). Algorithms developed to predict the effect of sequence changes on RNA splicing suggest that this variant may disrupt the consensus splice site. In summary, the available evidence is currently insufficient to determine the role of this variant in disease. Therefore, it has been classified as a Variant of Uncertain Significance.

Literature cited by the submitters: PubMed 17576681; PubMed 9536098.